The following is an entry in ClinVar:

ClinVar aggregate classification (germline): Uncertain significance. Review status: criteria provided, multiple submitters, no conflicts (2 of 4 stars). 3 submissions from 3 submitters: Uncertain significance (2). 1 of the submissions does not count toward it. Last evaluated 2026-01-22.

Conditions:
Inborn genetic diseases. Identifiers: MedGen C0950123, MeSH D030342.
Kostmann syndrome (SCN3). Also called: KOSTMANN DISEASE; Autosomal recessive severe congenital neutropenia type 3. Identifiers: Orphanet 99749, MedGen C5235141, MONDO:0012548, OMIM 610738.

Allele frequency attached by ClinVar (database versions not stated): ExAC 0.00001; gnomAD exomes 0.00002.

Submissions (3):

Labcorp Genetics (formerly Invitae), Labcorp
Classification: Uncertain significance for Kostmann syndrome. Last evaluated: 2026-01-22. Review status: criteria provided, single submitter. Criteria: Invitae Variant Classification Sherloc (09022015). Collection method: clinical testing. Allele origin: germline.
Comment: This sequence change replaces histidine, which is basic and polar, with glutamine, which is neutral and polar, at codon 56 of the HAX1 protein (p.His56Gln). This variant is present in population databases (rs756371972, gnomAD 0.004%). This variant has not been reported in the literature in individuals affected with HAX1-related conditions. ClinVar contains an entry for this variant (Variation ID: 960445). An algorithm developed to predict the effect of missense changes on protein structure and function (PolyPhen-2) suggests that this variant is likely to be tolerated. In summary, the available evidence is currently insufficient to determine the role of this variant in disease. Therefore, it has been classified as a Variant of Uncertain Significance.

Ambry Genetics
Classification: Uncertain significance for Inborn genetic diseases. Last evaluated: 2024-10-02. Review status: criteria provided, single submitter. Criteria: Ambry Variant Classification Scheme 2023. Collection method: clinical testing. Allele origin: germline.
Comment: The p.H56Q variant (also known as c.168C>A), located in coding exon 2 of the HAX1 gene, results from a C to A substitution at nucleotide position 168. The histidine at codon 56 is replaced by glutamine, an amino acid with highly similar properties. This amino acid position is conserved. In addition, this alteration is predicted to be tolerated by in silico analysis. Based on the available evidence, the clinical significance of this variant remains unclear.

Natera, Inc.
Classification: Uncertain significance for Autosomal recessive severe congenital neutropenia type 3. Last evaluated: 2020-08-18. Review status: no assertion criteria provided. Collection method: clinical testing. Allele origin: germline. Not counted in ClinVar's aggregate classification.

NM_006118.4(HAX1):c.168C>A (p.His56Gln)

Gene: HAX1 (HCLS1 associated protein X-1; plus strand). Cytogenetic location: 1q21.3.
Variant type: single nucleotide variant.
Coding change: c.168C>A on transcript NM_006118.4 (MANE Select); coding-DNA position 168, C replaced by A.
Protein change: p.His56Gln; replaces histidine 56 with glutamine.
Molecular consequence: missense variant. On other transcripts: intron variant (1).
Genome position (GRCh38, 1-based): chr1:154,273,450, C>A. VCF-style: chr1-154273450-C-A. GRCh37 (hg19) VCF-style: chr1-154245926-C-A.
Other names: c.54-30C>A (NM_001018837.2); short protein forms H56Q.
Identifiers: ClinVar variation 960445 (VCV000960445.12), dbSNP rs756371972, ClinGen allele CA1127276.